The following is an entry in ClinVar:

ClinVar aggregate classification (germline): Likely pathogenic (0 of 4 stars; one submission).

Conditions:
DTNBP1-related disorder. Also called: DTNBP1-related condition.

Submission:

PreventionGenetics, part of Exact Sciences
Classification: Likely pathogenic for DTNBP1-related condition. Last evaluated: 2024-04-18. Review status: no assertion criteria provided. Collection method: clinical testing. Allele origin: germline.
Comment: The DTNBP1 c.390delC variant is predicted to result in a frameshift and premature protein termination (p.Asn130Lysfs*15). To our knowledge, this variant has not been reported in the literature. This variant is reported in 0.012% of alleles in individuals of African descent in gnomAD. Frameshift variants in DTNBP1 are expected to be pathogenic. This variant is interpreted as likely pathogenic.

NM_032122.5(DTNBP1):c.390del (p.Asn130fs)

Gene: DTNBP1 (dystrobrevin binding protein 1; minus strand). Cytogenetic location: 6p22.3.
Variant type: Deletion.
Coding change: c.390del on transcript NM_032122.5 (MANE Select); coding-DNA position 390, one base deleted (C; older notation c.390delC).
Protein change: p.Asn130fs; shifts the reading frame from asparagine 130.
Molecular consequence: frameshift variant. On other transcripts: non-coding transcript variant (1).
Genome position (GRCh38, 1-based): chr6:15,615,365, G deleted on the plus strand (C on the coding strand, the reverse complement: DTNBP1 is on the minus strand). VCF-style (leftmost placement, unchanged base first): chr6-15615364-TG-T. GRCh37 (hg19) VCF-style: chr6-15615595-TG-T.
Other names: c.147del, p.Asn49fs (NM_001271667.2); c.339del, p.Asn113fs (NM_001271668.2); c.285del, p.Asn95fs (NM_001271669.2); c.390del, p.Asn130fs (NM_183040.2); short protein forms N113fs, N130fs, N49fs, N95fs.
Identifiers: ClinVar variation 3347607 (VCV003347607.1).
Genomic context (GRCh38, chr6:15,615,364, plus strand): 5'-GCATATGTTTGCATCTTTCTAATTCACACTGCCCACATAAGTCTTCCAGATGCAGCAGGT[TG>T]TTCTCTACCTCCTCAAAACTCGCCTCTAAATGAGCTGAAAGTATATAAAAATAAACAGAC-3'